The following is an entry in ClinVar:

ClinVar aggregate classification (germline): Uncertain significance (1 of 4 stars; one submission).

gnomAD v4.1: 1 of 1,614,138 alleles (0.000062%); highest among the groups gnomAD compares: Non-Finnish European, 0.000085%; no homozygotes.

Submission:

GeneDx
Classification: Uncertain significance. Last evaluated: 2023-12-02. Review status: criteria provided, single submitter. Criteria: GeneDx Variant Classification Process June 2021. Collection method: clinical testing. Allele origin: germline. Affected: yes.
Comment: Not observed at significant frequency in large population cohorts (gnomAD); In silico analysis supports that this missense variant has a deleterious effect on protein structure/function; Has not been previously published as pathogenic or benign to our knowledge

NM_001363711.2(DUOX2):c.1001A>C (p.Gln334Pro)

Gene: DUOX2 (dual oxidase 2; minus strand). Cytogenetic location: 15q21.1.
Variant type: single nucleotide variant.
Coding change: c.1001A>C on transcript NM_001363711.2 (MANE Select); coding-DNA position 1001, A replaced by C.
Protein change: p.Gln334Pro; replaces glutamine 334 with proline.
Molecular consequence: missense variant.
Genome position (GRCh38, 1-based): chr15:45,110,467, T>G on the plus strand (A>C on the coding strand, the complement: DUOX2 is on the minus strand). VCF-style: chr15-45110467-T-G. GRCh37 (hg19) VCF-style: chr15-45402665-T-G.
Other names: c.1001A>C, p.Gln334Pro (NM_014080.5); short protein forms Q334P.
Identifiers: ClinVar variation 3365293 (VCV003365293.1).